The following is an entry in ClinVar:

NM_005577.4(LPA):c.3144C>T (p.Thr1048=)

Gene: LPA (lipoprotein(a); minus strand). Cytogenetic location: 6q25.3.
Variant type: single nucleotide variant.
Coding change: c.3144C>T on transcript NM_005577.4 (MANE Select); coding-DNA position 3144, C replaced by T.
Protein change: p.Thr1048=; no amino-acid change (threonine 1048 retained).
Molecular consequence: synonymous variant.
Genome position (GRCh38, 1-based): chr6:160,599,643, G>A on the plus strand (C>T on the coding strand, the complement: LPA is on the minus strand). VCF-style: chr6-160599643-G-A. GRCh37 (hg19) VCF-style: chr6-161020675-G-A.
Identifiers: ClinVar variation 3388326 (VCV003388326.14).

ClinVar aggregate classification (germline): Likely benign (1 of 4 stars; one submission).

gnomAD v4.1: 105 of 1,613,928 alleles (0.0065%); highest among the groups gnomAD compares: Non-Finnish European, 0.0083%; no homozygotes.

Submission:

CeGaT Center for Human Genetics Tuebingen
Classification: Likely benign. Last evaluated: 2024-09-01. Review status: criteria provided, single submitter. Criteria: CeGaT Center For Human Genetics Tuebingen Variant Classification Criteria Version 2. Collection method: clinical testing. Allele origin: germline. Affected: yes. Observed: 1 variant allele.
Comment: LPA: BP4, BP7